The following is an entry in ClinVar:

NM_001267550.2(TTN):c.94589C>T (p.Pro31530Leu)

Genes: TTN (titin; minus strand), TTN-AS1 (TTN antisense RNA 1; plus strand). Cytogenetic location: 2q31.2.
Variant type: single nucleotide variant.
Coding change: c.94589C>T on transcript NM_001267550.2 (MANE Select); coding-DNA position 94589, C replaced by T.
Protein change: p.Pro31530Leu; replaces proline 31530 with leucine.
Molecular consequence: missense variant.
Genome position (GRCh38, 1-based): chr2:178,546,839, G>A on the plus strand (C>T on the coding strand, the complement: TTN is on the minus strand). VCF-style: chr2-178546839-G-A. GRCh37 (hg19) VCF-style: chr2-179411566-G-A.
Other names: c.89666C>T, p.Pro29889Leu (NM_001256850.1); c.67394C>T, p.Pro22465Leu (NM_003319.4); c.86885C>T, p.Pro28962Leu (NM_133378.4); c.67769C>T, p.Pro22590Leu (NM_133432.3); c.67970C>T, p.Pro22657Leu (NM_133437.4); short protein forms P22465L, P22590L, P29889L, P31530L, P22657L, P28962L.
Identifiers: ClinVar variation 1755172 (VCV001755172.2), dbSNP rs2469068519, ClinGen allele CA349472319.
Genomic context (GRCh38, chr2:178,546,839, plus strand): 5'-TCACTGACTGGCTTACGCTCTATGATGTAGCCCACAACCTTGCTGCCTCCATCATACGCT[G>A]GGGCAGACCAAATCAGTGATACTGTTGATCTTGTGACATCTGTCACCTCTGGTCTGCCTG-3'
Protein context (NP_001254479.2, residues 31520-31540): RSTVSLIWSA[Pro31530Leu]AYDGGSKVVG

ClinVar aggregate classification (germline): Uncertain significance (1 of 4 stars; one submission).

Conditions:
Cardiovascular phenotype. Identifiers: MedGen CN230736.

Submission:

Ambry Genetics
Classification: Uncertain significance for Cardiovascular phenotype. Last evaluated: 2019-08-08. Review status: criteria provided, single submitter. Criteria: Ambry Variant Classification Scheme 2023. Collection method: clinical testing. Allele origin: germline.
Comment: The p.P22465L variant (also known as c.67394C>T), located in coding exon 168 of the TTN gene, results from a C to T substitution at nucleotide position 67394. The proline at codon 22465 is replaced by leucine, an amino acid with similar properties. This amino acid position is highly conserved in available vertebrate species. In addition, the in silico prediction for this alteration is inconclusive. Since supporting evidence is limited at this time, the clinical significance of this alteration remains unclear.